The following is an entry in ClinVar:

NM_032043.3(BRIP1):c.653G>A (p.Cys218Tyr)

Gene: BRIP1 (BRCA1 interacting DNA helicase 1; minus strand). Cytogenetic location: 17q23.2.
Variant type: single nucleotide variant.
Coding change: c.653G>A on transcript NM_032043.3 (MANE Select); coding-DNA position 653, G replaced by A.
Protein change: p.Cys218Tyr; replaces cysteine 218 with tyrosine.
Molecular consequence: missense variant.
Genome position (GRCh38, 1-based): chr17:61,808,732, C>T on the plus strand (G>A on the coding strand, the complement: BRIP1 is on the minus strand). VCF-style: chr17-61808732-C-T. GRCh37 (hg19) VCF-style: chr17-59886093-C-T.
Other names: short protein forms C218Y.
Identifiers: ClinVar variation 407824 (VCV000407824.26), dbSNP rs754242563, ClinGen allele CA8690866.

ClinVar aggregate classification (germline): Conflicting classifications of pathogenicity. Review status: criteria provided, conflicting classifications (1 of 4 stars). 8 submissions from 8 submitters: Uncertain significance (7); Likely benign (1). Last evaluated 2025-11-09.

Conditions:
Hereditary cancer-predisposing syndrome. Also called: Hereditary neoplastic syndrome; Neoplastic Syndromes, Hereditary; Hereditary Cancer Syndrome; Tumor predisposition. Identifiers: Orphanet 140162, MedGen C0027672, MeSH D009386, MONDO:0015356.
Fanconi anemia complementation group J. Also called: BRIP1-Related Fanconi Anemia. Identifiers: Orphanet 84, MedGen C1836860, MONDO:0012187, OMIM 609054.
Familial cancer of breast. Also called: BREAST CANCER, FAMILIAL; hereditary breast carcinoma; Hereditary breast cancer. Identifiers: Orphanet 227535, MedGen C0346153, MONDO:0016419, OMIM 114480. Disease mechanism: loss of function.

Allele frequency attached by ClinVar (database versions not stated): TOPMed below 0.00001; gnomAD 0.00001; gnomAD exomes 0.00006; ExAC 0.00007.
gnomAD v4.1: 59 of 1,613,480 alleles (0.0037%); highest among the groups gnomAD compares: South Asian, 0.06%; 2 homozygotes.

Submissions (8):

Labcorp Genetics (formerly Invitae), Labcorp
Classification: Uncertain significance for Familial cancer of breast; Fanconi anemia complementation group J. Last evaluated: 2025-11-09. Review status: criteria provided, single submitter. Criteria: Invitae Variant Classification Sherloc (09022015). Collection method: clinical testing. Allele origin: germline.
Comment: This sequence change replaces cysteine, which is neutral and slightly polar, with tyrosine, which is neutral and polar, at codon 218 of the BRIP1 protein (p.Cys218Tyr). This variant is present in population databases (rs754242563, gnomAD 0.05%). This variant has not been reported in the literature in individuals affected with BRIP1-related conditions. ClinVar contains an entry for this variant (Variation ID: 407824). Invitae Evidence Modeling of protein sequence and biophysical properties (such as structural, functional, and spatial information, amino acid conservation, physicochemical variation, residue mobility, and thermodynamic stability) indicates that this missense variant is not expected to disrupt BRIP1 protein function with a negative predictive value of 95%. In summary, the available evidence is currently insufficient to determine the role of this variant in disease. Therefore, it has been classified as a Variant of Uncertain Significance.

GeneDx
Classification: Uncertain significance. Last evaluated: 2025-05-27. Review status: criteria provided, single submitter. Criteria: GeneDx Variant Classification Process June 2021. Collection method: clinical testing. Allele origin: germline. Affected: yes.
Comment: In silico analysis suggests that this missense variant does not alter protein structure/function; This variant is associated with the following publications: (PMID: 26315354, 39541563)

Quest Diagnostics Nichols Institute San Juan Capistrano
Classification: Uncertain significance. Last evaluated: 2025-05-07. Review status: criteria provided, single submitter. Criteria: Quest Diagnostics criteria. Collection method: clinical testing. Allele origin: unknown.
Comment: The BRIP1 c.653G>A (p.Cys218Tyr) variant has been reported in the published literature in a reportedly unaffected individual in a large scale breast cancer association study (PMID: 33471991 (2021), see also LOVD). The frequency of this variant in the general population (Genome Aggregation Database) is higher than would generally be expected for pathogenic variants in this gene. Analysis of this variant using bioinformatics tools for the prediction of the effect of amino acid changes on protein structure and function yielded predictions that this variant is benign. Based on the available information, we are unable to determine the clinical significance of this variant.

Blueprint Genetics
Classification: Uncertain significance. Last evaluated: 2024-08-22. Review status: criteria provided, single submitter. Criteria: ACMG Guidelines, 2015. Collection method: clinical testing. Allele origin: germline.

Color Diagnostics, LLC DBA Color Health
Classification: Uncertain significance for Hereditary cancer-predisposing syndrome. Last evaluated: 2024-03-06. Review status: criteria provided, single submitter. Criteria: ACMG Guidelines, 2015. Collection method: clinical testing. Allele origin: germline.
Comment: This missense variant replaces cysteine with tyrosine at codon 218 of the BRIP1 protein. Computational prediction suggests that this variant may not impact protein structure and function (internally defined REVEL score threshold <= 0.5, PMID: 27666373). To our knowledge, functional studies have not been reported for this variant. This variant has not been reported in individuals affected with hereditary cancer in the literature. This variant has been identified in 16/250382 chromosomes in the general population by the Genome Aggregation Database (gnomAD). The available evidence is insufficient to determine the role of this variant in disease conclusively. Therefore, this variant is classified as a Variant of Uncertain Significance.

Fulgent Genetics
Classification: Uncertain significance for Familial cancer of breast; Fanconi anemia complementation group J. Last evaluated: 2024-02-28. Review status: criteria provided, single submitter. Criteria: ACMG Guidelines, 2015. Collection method: clinical testing. Allele origin: germline.

KCCC/NGS Laboratory, Kuwait Cancer Control Center
Classification: Uncertain significance for Familial cancer of breast. Last evaluated: 2023-07-07. Review status: criteria provided, single submitter. Criteria: ACMG Guidelines, 2015. Collection method: clinical testing. Allele origin: unknown. Affected: yes.
Comment: This sequence change replaces cysteine with tyrosine at codon 218 of the BRIP1 protein (p.Cys218Tyr). The cysteine residue is weakly conserved and there is a large physicochemical difference between cysteine and tyrosine. This variant is present in population database gnomAD (0.0064%). This variant has not been reported in the literature in individuals with BRIP1-related disease. ClinVar contains an entry for this variant (Variation ID: 407824) with 4 submissions, all of which describe it as of uncertain significance, two stars, no conflict. In-silico predictions show benign computational verdict based on 8 benign predictions from BayesDel_addAF, DANN, DEOGEN2, EIGEN, LIST-S2, MVP, PrimateAI and SIFT vs 4 pathogenic predictions from FATHMM-MKL, M-CAP, MutationAssessor and MutationTaster and the position is not strongly conserved (CSH phyloP100way = 1.1 is less than 5). The tyrosine amino acid residue is found in multiple mammalian species, suggesting that this missense change does not adversely affect protein function. Therefore, it has been classified as a Variant of Uncertain Significance.

Ambry Genetics
Classification: Likely benign for Hereditary cancer-predisposing syndrome. Last evaluated: 2021-08-27. Review status: criteria provided, single submitter. Criteria: Ambry Variant Classification Scheme 2023. Collection method: clinical testing. Allele origin: germline.

Literature cited by the submitters: PubMed 33471991 (cited by Quest Diagnostics Nichols Institute San Juan Capistrano).